The following is an entry in ClinVar:

NM_014991.6(WDFY3):c.6995G>A (p.Arg2332His)

Gene: WDFY3 (WD repeat and FYVE domain containing 3; minus strand). Cytogenetic location: 4q21.23.
Variant type: single nucleotide variant.
Coding change: c.6995G>A on transcript NM_014991.6 (MANE Select); coding-DNA position 6995, G replaced by A.
Protein change: p.Arg2332His; replaces arginine 2332 with histidine.
Molecular consequence: missense variant.
Genome position (GRCh38, 1-based): chr4:84,733,608, C>T on the plus strand (G>A on the coding strand, the complement: WDFY3 is on the minus strand). VCF-style: chr4-84733608-C-T. GRCh37 (hg19) VCF-style: chr4-85654761-C-T.
Other names: short protein forms R2332H.
Identifiers: ClinVar variation 2412960 (VCV002412960.3), dbSNP rs1736964943, ClinGen allele CA357549782.

ClinVar aggregate classification (germline): Uncertain significance (1 of 4 stars; one submission).

Allele frequency attached by ClinVar (database versions not stated): gnomAD exomes below 0.00001; gnomAD 0.00001; TOPMed 0.00001.
gnomAD v4.1: 2 of 1,607,602 alleles (0.00012%); highest among the groups gnomAD compares: African/African-American, 0.0013%; no homozygotes.

Submission:

GeneDx
Classification: Uncertain significance. Last evaluated: 2023-01-24. Review status: criteria provided, single submitter. Criteria: GeneDx Variant Classification Process June 2021. Collection method: clinical testing. Allele origin: germline. Affected: yes.
Comment: Not observed at significant frequency in large population cohorts (gnomAD); In silico analysis supports that this missense variant does not alter protein structure/function; Has not been previously published as pathogenic or benign to our knowledge